The following is an entry in ClinVar:

ClinVar aggregate classification (germline): Conflicting classifications of pathogenicity. Review status: criteria provided, conflicting classifications (1 of 4 stars). 2 submissions from 2 submitters: Uncertain significance (1); Likely benign (1). Last evaluated 2026-01-01.

Conditions:
Charcot-Marie-Tooth disease type 2. Also called: Charcot-Marie-Tooth type 2. Identifiers: Orphanet 64746, MedGen C0270914, MONDO:0018993.

Allele frequency attached by ClinVar (database versions not stated): TOPMed below 0.00001; gnomAD exomes 0.00002 and 0.00001; gnomAD 0.00005 and below 0.00001; 1000 Genomes Project 0.00100; 1000 Genomes Project 30x 0.00078; ExAC 0.00004.
gnomAD v4.1: 25 of 1,614,152 alleles (0.0015%); highest among the groups gnomAD compares: South Asian, 0.025%; 1 homozygote.

Submissions (2):

Labcorp Genetics (formerly Invitae), Labcorp
Classification: Uncertain significance for Charcot-Marie-Tooth disease type 2. Last evaluated: 2026-01-01. Review status: criteria provided, single submitter. Criteria: Invitae Variant Classification Sherloc (09022015). Collection method: clinical testing. Allele origin: germline.
Comment: This sequence change replaces asparagine, which is neutral and polar, with histidine, which is basic and polar, at codon 1700 of the KIF1B protein (p.Asn1700His). This variant is present in population databases (rs556099463, gnomAD 0.02%). This variant has not been reported in the literature in individuals affected with KIF1B-related conditions. ClinVar contains an entry for this variant (Variation ID: 845313). An algorithm developed to predict the effect of missense changes on protein structure and function (PolyPhen-2) suggests that this variant is likely to be disruptive. In summary, the available evidence is currently insufficient to determine the role of this variant in disease. Therefore, it has been classified as a Variant of Uncertain Significance.

Ambry Genetics
Classification: Likely benign. Last evaluated: 2021-11-12. Review status: criteria provided, single submitter. Criteria: Ambry Variant Classification Scheme 2023. Collection method: clinical testing. Allele origin: germline.

NM_001365951.3(KIF1B):c.5236A>C (p.Asn1746His)

Gene: KIF1B (kinesin family member 1B; plus strand). Cytogenetic location: 1p36.22.
Variant type: single nucleotide variant.
Coding change: c.5236A>C on transcript NM_001365951.3 (MANE Select); coding-DNA position 5236, A replaced by C.
Protein change: p.Asn1746His; replaces asparagine 1746 with histidine.
Molecular consequence: missense variant.
Genome position (GRCh38, 1-based): chr1:10,374,993, A>C. VCF-style: chr1-10374993-A-C. GRCh37 (hg19) VCF-style: chr1-10435051-A-C.
Other names: c.5236A>C, p.Asn1746His (NM_001365952.1); c.5098A>C, p.Asn1700His (NM_015074.3); short protein forms N1700H, N1746H.
Identifiers: ClinVar variation 845313 (VCV000845313.12), dbSNP rs556099463, ClinGen allele CA582295.
Genomic context (GRCh38, chr1:10,374,993, plus strand): 5'-CGTCGGCCTTATGTCTTCATCTATAACAGTGACAAAGACCCTGTGGAGCGTGGAATCATT[A>C]ACCTGTCCACAGCACAGGTGGAGTACAGTGAGGACCAGCAGGCCATGGTGAAGGTCCGTC-3'
Protein context (NP_001352880.1, residues 1736-1756): DKDPVERGII[Asn1746His]LSTAQVEYSE